The following is an entry in ClinVar:

NM_014314.4(RIGI):c.106+90G>T

Gene: RIGI (RNA sensor RIG-I; minus strand). Cytogenetic location: 9p21.1.
Variant type: single nucleotide variant.
Coding change: c.106+90G>T on transcript NM_014314.4 (MANE Select); 90 bases into the intron after coding-DNA position 106, G replaced by T.
Molecular consequence: intron variant.
Genome position (GRCh38, 1-based): chr9:32,525,971, C>A on the plus strand (G>T on the coding strand, the complement: RIGI is on the minus strand). VCF-style: chr9-32525971-C-A. GRCh37 (hg19) VCF-style: chr9-32525969-C-A.
Other names: c.-356+90G>T (NM_001385912.1); c.106+90G>T (NM_001385913.1, NM_001385907.1, NM_001385909.1); c.-349+90G>T (NM_001385914.1, NM_001385910.1).
Identifiers: ClinVar variation 2637872 (VCV002637872.2), dbSNP rs2777729, ClinGen allele CA12954076.

ClinVar aggregate classification (germline): Benign (1 of 4 stars; one submission).

gnomAD v4.1: 618,431 of 1,025,336 alleles (60%); highest among the groups gnomAD compares: Middle Eastern, 68%; 188,517 homozygotes.

Submission:

Unidad de Genómica Garrahan, Hospital de Pediatría Garrahan
Classification: Benign. Last evaluated: 2023-11-14. Review status: criteria provided, single submitter. Criteria: ACMG Guidelines, 2015. Collection method: clinical testing. Allele origin: germline. Affected: no. Observed: 67 variant alleles.
Comment: This variant is classified as Benign based on local population frequency. This variant was detected in 70% of patients studied by a panel of primary immunodeficiencies. Number of patients: 67. Only high quality variants are reported.